The following is an entry in ClinVar:

ClinVar aggregate classification (germline): Benign/Likely benign. Review status: criteria provided, multiple submitters, no conflicts (2 of 4 stars). 6 submissions from 6 submitters: Benign (1); Likely benign (5). Last evaluated 2026-09-01.

Conditions:
Autosomal dominant cerebellar ataxia. Also called: Spinocerebellar Ataxia, Dominant. Identifiers: Orphanet 99, MedGen C4087347, MONDO:0020380.

Allele frequency attached by ClinVar (database versions not stated): TOPMed 0.00045; gnomAD exomes 0.00053 and 0.00073; ESP Exome Variant Server 0.00057; gnomAD 0.00063 and 0.00067; ExAC 0.00082; 1000 Genomes Project 30x 0.00109; 1000 Genomes Project 0.00140.
gnomAD v4.1: 881 of 1,613,492 alleles (0.055%); highest among the groups gnomAD compares: Middle Eastern, 0.099%; 1 homozygote.

Submissions (6):

CeGaT Center for Human Genetics Tuebingen
Classification: Likely benign. Last evaluated: 2026-09-01. Review status: criteria provided, single submitter. Criteria: CeGaT Center For Human Genetics Tuebingen Variant Classification Criteria Version 2. Collection method: clinical testing. Allele origin: germline. Affected: yes. Observed: 7 variant alleles.
Comment: ITPR1: BP4, BP7

Labcorp Genetics (formerly Invitae), Labcorp
Classification: Likely benign. Last evaluated: 2025-12-19. Review status: criteria provided, single submitter. Criteria: Invitae Variant Classification Sherloc (09022015). Collection method: clinical testing. Allele origin: germline.

Blueprint Genetics
Classification: Likely benign. Last evaluated: 2024-11-08. Review status: criteria provided, single submitter. Criteria: ACMG Guidelines, 2015. Collection method: clinical testing. Allele origin: germline.

GeneDx
Classification: Likely benign. Last evaluated: 2021-02-24. Review status: criteria provided, single submitter. Criteria: GeneDx Variant Classification Process June 2021. Collection method: clinical testing. Allele origin: germline. Affected: yes.

Athena Diagnostics
Classification: Benign. Last evaluated: 2018-10-04. Review status: criteria provided, single submitter. Criteria: Athena Diagnostics Criteria. Collection method: clinical testing. Allele origin: germline.

Illumina Laboratory Services, Illumina
Classification: Likely benign for Spinocerebellar Ataxia, Dominant. Last evaluated: 2018-01-12. Review status: criteria provided, single submitter. Criteria: ICSL Variant Classification Criteria 13 December 2019. Collection method: clinical testing. Allele origin: germline.
Comment: This variant was observed in the ICSL laboratory as part of a predisposition screen in an ostensibly healthy population. It had not been previously curated by ICSL or reported in the Human Gene Mutation Database (HGMD: prior to June 1st, 2018), and was therefore a candidate for classification through an automated scoring system. Utilizing variant allele frequency, disease prevalence and penetrance estimates, and inheritance mode, an automated score was calculated to assess if this variant is too frequent to cause the disease. Based on the score and internal cut-off values, a variant classified as likely benign is not then subjected to further curation. The score for this variant resulted in a classification of likely benign for this disease.

NM_001378452.1(ITPR1):c.6912G>A (p.Pro2304=)

Gene: ITPR1 (inositol 1,4,5-trisphosphate receptor type 1; plus strand). Cytogenetic location: 3p26.1.
Variant type: single nucleotide variant.
Coding change: c.6912G>A on transcript NM_001378452.1 (MANE Select); coding-DNA position 6912, G replaced by A.
Protein change: p.Pro2304=; no amino-acid change (proline 2304 retained).
Molecular consequence: synonymous variant.
Genome position (GRCh38, 1-based): chr3:4,795,168, G>A. VCF-style: chr3-4795168-G-A. GRCh37 (hg19) VCF-style: chr3-4836852-G-A.
Other names: c.6768G>A, p.Pro2256= (NM_001099952.4); c.6867G>A, p.Pro2289= (NM_001168272.2); c.6723G>A, p.Pro2241= (NM_002222.7).
Identifiers: ClinVar variation 345758 (VCV000345758.54), dbSNP rs200426774, ClinGen allele CA2232710.